The following is an entry in ClinVar:

ClinVar aggregate classification (germline): Uncertain significance (1 of 4 stars; one submission).

Conditions:
Hereditary cancer-predisposing syndrome. Also called: Hereditary Cancer Syndrome; Hereditary neoplastic syndrome; Neoplastic Syndromes, Hereditary; Tumor predisposition. Identifiers: Orphanet 140162, MedGen C0027672, MeSH D009386, MONDO:0015356.

Submission:

Ambry Genetics
Classification: Uncertain significance for Hereditary cancer-predisposing syndrome. Last evaluated: 2022-07-07. Review status: criteria provided, single submitter. Criteria: Ambry Variant Classification Scheme 2023. Collection method: clinical testing. Allele origin: germline.
Comment: The p.V508L variant (also known as c.1522G>T), located in coding exon 4 of the MSH6 gene, results from a G to T substitution at nucleotide position 1522. The valine at codon 508 is replaced by leucine, an amino acid with highly similar properties. This amino acid position is highly conserved in available vertebrate species. In addition, this alteration is predicted to be deleterious by in silico analysis. Since supporting evidence is limited at this time, the clinical significance of this alteration remains unclear.

NM_000179.3(MSH6):c.1522G>T (p.Val508Leu)

Gene: MSH6 (mutS homolog 6; plus strand). Cytogenetic location: 2p16.3.
Variant type: single nucleotide variant.
Coding change: c.1522G>T on transcript NM_000179.3 (MANE Select); coding-DNA position 1522, G replaced by T.
Protein change: p.Val508Leu; replaces valine 508 with leucine.
Molecular consequence: missense variant.
Genome position (GRCh38, 1-based): chr2:47,799,505, G>T. VCF-style: chr2-47799505-G-T. GRCh37 (hg19) VCF-style: chr2-48026644-G-T.
Other names: c.1132G>T, p.Val378Leu (NM_001281492.2); c.616G>T, p.Val206Leu (NM_001281493.2, NM_001281494.2, NM_001406811.1 and 6 more transcripts); c.1618G>T, p.Val540Leu (NM_001406795.1, NM_001406802.1); c.1522G>T, p.Val508Leu (NM_001406796.1, NM_001406798.1, NM_001406800.1 and 4 more transcripts); c.1225G>T, p.Val409Leu (NM_001406797.1, NM_001406801.1, NM_001406805.1 and 10 more transcripts); c.997G>T, p.Val333Leu (NM_001406799.1, NM_001406806.1, NM_001406807.1); c.1444G>T, p.Val482Leu (NM_001406804.1); c.1528G>T, p.Val510Leu (NM_001406813.1); and 1 more; short protein forms V206L, V378L, V452L, V540L, V409L, V333L, V482L, V508L.
Identifiers: ClinVar variation 1774467 (VCV001774467.2), dbSNP rs747971039, ClinGen allele CA346746401.
Genomic context (GRCh38, chr2:47,799,505, plus strand): 5'-ACTCCAGAAATGATGGAGGCACGATGTAGAAAGATGGCACATATATCCAAGTATGATAGA[G>T]TGGTGAGGAGGGAGATCTGTAGGATCATTACCAAGGGTACACAGACTTACAGTGTGCTGG-3'
Protein context (NP_000170.1, residues 498-518): KMAHISKYDR[Val508Leu]VRREICRIIT